The following is an entry in ClinVar:

ClinVar aggregate classification (germline): Uncertain significance (1 of 4 stars; one submission).

Conditions:
Hereditary cancer-predisposing syndrome. Also called: Neoplastic Syndromes, Hereditary; Tumor predisposition; Hereditary Cancer Syndrome; Hereditary neoplastic syndrome. Identifiers: Orphanet 140162, MedGen C0027672, MeSH D009386, MONDO:0015356.

Submission:

Ambry Genetics
Classification: Uncertain significance for Hereditary cancer-predisposing syndrome. Last evaluated: 2020-08-12. Review status: criteria provided, single submitter. Criteria: Ambry Variant Classification Scheme 2023. Collection method: clinical testing. Allele origin: germline.
Comment: The p.G605A variant (also known as c.1814G>C), located in coding exon 12 of the BRIP1 gene, results from a G to C substitution at nucleotide position 1814. The glycine at codon 605 is replaced by alanine, an amino acid with similar properties. This amino acid position is not well conserved in available vertebrate species. In addition, this alteration is predicted to be tolerated by in silico analysis. Since supporting evidence is limited at this time, the clinical significance of this alteration remains unclear.

NM_032043.3(BRIP1):c.1814G>C (p.Gly605Ala)

Gene: BRIP1 (BRCA1 interacting DNA helicase 1; minus strand). Cytogenetic location: 17q23.2.
Variant type: single nucleotide variant.
Coding change: c.1814G>C on transcript NM_032043.3 (MANE Select); coding-DNA position 1814, G replaced by C.
Protein change: p.Gly605Ala; replaces glycine 605 with alanine.
Molecular consequence: missense variant.
Genome position (GRCh38, 1-based): chr17:61,780,382, C>G on the plus strand (G>C on the coding strand, the complement: BRIP1 is on the minus strand). VCF-style: chr17-61780382-C-G. GRCh37 (hg19) VCF-style: chr17-59857743-C-G.
Other names: short protein forms G605A.
Identifiers: ClinVar variation 1780644 (VCV001780644.2), dbSNP rs2145081033, ClinGen allele CA400480190.